The following is an entry in ClinVar:

ClinVar aggregate classification (germline): Likely benign. Review status: criteria provided, single submitter (1 of 4 stars). 2 submissions from 2 submitters: Likely benign (1). 1 of the submissions does not count toward it. Last evaluated 2022-09-27.

Conditions:
Nemaline myopathy 6 (NEM6). Also called: Nemaline myopathy 6, autosomal dominant. Identifiers: Orphanet 171439, MedGen C1836472, MONDO:0012237, OMIM 609273.
KBTBD13-related disorder. Also called: KBTBD13-related condition.

Allele frequency attached by ClinVar (database versions not stated): TOPMed below 0.00001; gnomAD 0.00001; gnomAD exomes 0.00001.
gnomAD v4.1: 19 of 1,545,330 alleles (0.0012%); highest among the groups gnomAD compares: Non-Finnish European, 0.0016%; no homozygotes.

Submissions (2):

Labcorp Genetics (formerly Invitae), Labcorp
Classification: Likely benign for Nemaline myopathy 6. Last evaluated: 2022-09-27. Review status: criteria provided, single submitter. Criteria: Invitae Variant Classification Sherloc (09022015). Collection method: clinical testing. Allele origin: germline.

PreventionGenetics, part of Exact Sciences
Classification: Likely benign for KBTBD13-related condition. Last evaluated: 2019-06-11. Review status: no assertion criteria provided. Collection method: clinical testing. Allele origin: germline. Not counted in ClinVar's aggregate classification.
Comment: This variant is classified as likely benign based on ACMG/AMP sequence variant interpretation guidelines (Richards et al. 2015 PMID: 25741868, with internal and published modifications).

NM_001101362.3(KBTBD13):c.1341T>C (p.Ala447=)

Gene: KBTBD13 (kelch repeat and BTB domain containing 13; plus strand). Cytogenetic location: 15q22.31.
Variant type: single nucleotide variant.
Coding change: c.1341T>C on transcript NM_001101362.3 (MANE Select); coding-DNA position 1341, T replaced by C.
Protein change: p.Ala447=; no amino-acid change (alanine 447 retained).
Molecular consequence: synonymous variant.
Genome position (GRCh38, 1-based): chr15:65,078,156, T>C. VCF-style: chr15-65078156-T-C. GRCh37 (hg19) VCF-style: chr15-65370494-T-C.
Identifiers: ClinVar variation 464345 (VCV000464345.12), dbSNP rs1298809117, ClinGen allele CA490828856.